The following is an entry in ClinVar:

ClinVar aggregate classification (germline): Likely benign. Review status: criteria provided, multiple submitters, no conflicts (2 of 4 stars). 2 submissions from 2 submitters: Likely benign (2). Last evaluated 2025-07-29.

Conditions:
Emery-Dreifuss muscular dystrophy 4, autosomal dominant (EDMD4). Also called: EMERY-DREIFUSS MUSCULAR DYSTROPHY 4 WITH VARIABLE FEATURES. Identifiers: Orphanet 261, MedGen C2751807, MONDO:0013071, OMIM 612998.
Autosomal recessive ataxia, Beauce type. Also called: ATAXIA, RECESSIVE, OF BEAUCE; SYNE1-Related Autosomal Recessive Cerebellar Ataxia; Spinocerebellar ataxia, autosomal recessive 8; SYNE1 Deficiency. Identifiers: Orphanet 88644, MedGen C1853116, MONDO:0012549, OMIM 610743.

Allele frequency attached by ClinVar (database versions not stated): gnomAD exomes 0.00001 and 0.00007; TOPMed 0.00001; gnomAD 0.00002; ExAC 0.00010.
gnomAD v4.1: 14 of 1,613,940 alleles (0.00087%); highest among the groups gnomAD compares: East Asian, 0.031%; no homozygotes.

Submissions (2):

Labcorp Genetics (formerly Invitae), Labcorp
Classification: Likely benign for Emery-Dreifuss muscular dystrophy 4, autosomal dominant; Autosomal recessive ataxia, Beauce type. Last evaluated: 2025-07-29. Review status: criteria provided, single submitter. Criteria: Invitae Variant Classification Sherloc (09022015). Collection method: clinical testing. Allele origin: germline.

GeneDx
Classification: Likely benign. Last evaluated: 2016-11-15. Review status: criteria provided, single submitter. Criteria: GeneDx Variant Classification (06012015). Collection method: clinical testing. Allele origin: germline. Affected: yes.
Comment: This variant is considered likely benign or benign based on one or more of the following criteria: it is a conservative change, it occurs at a poorly conserved position in the protein, it is predicted to be benign by multiple in silico algorithms, and/or has population frequency not consistent with disease.

NM_182961.4(SYNE1):c.25246+17C>T

Gene: SYNE1 (spectrin repeat containing nuclear envelope protein 1; minus strand). Cytogenetic location: 6q25.2.
Variant type: single nucleotide variant.
Coding change: c.25246+17C>T on transcript NM_182961.4 (MANE Select); 17 bases into the intron after coding-DNA position 25246, C replaced by T.
Molecular consequence: intron variant.
Genome position (GRCh38, 1-based): chr6:152,141,186, G>A on the plus strand (C>T on the coding strand, the complement: SYNE1 is on the minus strand). VCF-style: chr6-152141186-G-A. GRCh37 (hg19) VCF-style: chr6-152462321-G-A.
Other names: c.25102+17C>T (NM_033071.5); c.1852+17C>T (NM_001347701.2); c.1780+17C>T (NM_001347702.2).
Identifiers: ClinVar variation 390800 (VCV000390800.8), dbSNP rs772625869, ClinGen allele CA4052888.
Genomic context (GRCh38, chr6:152,141,186, plus strand): 5'-AGTGGAATTTCGCTGTTAACAAAGTGCTTCAGGATCTTCTATTTCATTCACTCTTGAACT[G>A]GATGCTACGCACTCACCAGCCGTTTGGGTTTCGGTACTATGCAGGTTAACAAAGCCAGGA-3'